The following is an entry in ClinVar:

NM_007186.6(CEP250):c.2773_2775del (p.Lys925del)

Gene: CEP250 (centrosomal protein 250; plus strand). Cytogenetic location: 20q11.22.
Variant type: Deletion.
Coding change: c.2773_2775del on transcript NM_007186.6 (MANE Select); coding-DNA positions 2773 to 2775, 3 bases deleted (AAG; older notation c.2773_2775delAAG).
Protein change: p.Lys925del; deletes lysine 925.
Molecular consequence: inframe deletion.
Genome position (GRCh38, 1-based): chr20:35,491,230-35,491,232, AAG deleted; deleting any 3 consecutive bases within chr20:35,491,228-35,491,232 gives the same sequence; the c. name uses the placement nearest the transcript's 3' end. VCF-style (leftmost placement, unchanged base first): chr20-35491227-GAGA-G. GRCh37 (hg19) VCF-style: chr20-34079053-GAGA-G.
Other names: c.877_879del, p.Lys293del (NM_001318219.1); short protein forms K293del, K925del.
Identifiers: ClinVar variation 1346483 (VCV001346483.6), dbSNP rs779686566, ClinGen allele CA9833288.
Genomic context (GRCh38, chr20:35,491,227, plus strand): 5'-GGTAATCCTGAGCCCACAAGCTGTTACCCCCCTACCCCTCCACAGATGCAGCTGGAAACA[GAGA>G]AGGAGAGAGTATCCCTCCTGGAGACACTGCTGCAGACGCAGAAGGAGCTAGCAGATGCCA-3'

ClinVar aggregate classification (germline): Uncertain significance (1 of 4 stars; one submission).

Submission:

Labcorp Genetics (formerly Invitae), Labcorp
Classification: Uncertain significance. Last evaluated: 2021-05-05. Review status: criteria provided, single submitter. Criteria: Invitae Variant Classification Sherloc (09022015). Collection method: clinical testing. Allele origin: germline.
Comment: In summary, the available evidence is currently insufficient to determine the role of this variant in disease. Therefore, it has been classified as a Variant of Uncertain Significance. Experimental studies and prediction algorithms are not available or were not evaluated, and the functional significance of this variant is currently unknown. This variant has not been reported in the literature in individuals with CEP250-related conditions. This variant is present in population databases (rs779686566, ExAC 0.008%). This variant, c.2773_2775del, results in the deletion of 1 amino acid(s) of the CEP250 protein (p.Lys925del), but otherwise preserves the integrity of the reading frame.